The following is an entry in ClinVar:

NM_003924.4(PHOX2B):c.106T>G (p.Cys36Gly)

Genes: PHOX2B (paired like homeobox 2B; minus strand), PHOX2B-AS1 (PHOX2B antisense RNA 1; plus strand). Cytogenetic location: 4p13.
Variant type: single nucleotide variant.
Coding change: c.106T>G on transcript NM_003924.4 (MANE Select); coding-DNA position 106, T replaced by G.
Protein change: p.Cys36Gly; replaces cysteine 36 with glycine.
Molecular consequence: missense variant.
Genome position (GRCh38, 1-based): chr4:41,748,505, A>C on the plus strand (T>G on the coding strand, the complement: PHOX2B is on the minus strand). VCF-style: chr4-41748505-A-C. GRCh37 (hg19) VCF-style: chr4-41750522-A-C.
Other names: short protein forms C36G.
Identifiers: ClinVar variation 955050 (VCV000955050.10), dbSNP rs1733985004, ClinGen allele CA356741078.

ClinVar aggregate classification (germline): Uncertain significance (1 of 4 stars; one submission).

Conditions:
Haddad syndrome (OHD). Also called: Ondine-Hirschsprung disease. Identifiers: Orphanet 99803, MedGen C1859049, MONDO:0020493.

Submission:

Labcorp Genetics (formerly Invitae), Labcorp
Classification: Uncertain significance for Haddad syndrome. Last evaluated: 2019-10-21. Review status: criteria provided, single submitter. Criteria: Invitae Variant Classification Sherloc (09022015). Collection method: clinical testing. Allele origin: germline.
Comment: This sequence change replaces cysteine with glycine at codon 36 of the PHOX2B protein (p.Cys36Gly). The cysteine residue is highly conserved and there is a large physicochemical difference between cysteine and glycine. In summary, the available evidence is currently insufficient to determine the role of this variant in disease. Therefore, it has been classified as a Variant of Uncertain Significance. Algorithms developed to predict the effect of missense changes on protein structure and function (SIFT, PolyPhen-2, Align-GVGD) all suggest that this variant is likely to be disruptive, but these predictions have not been confirmed by published functional studies and their clinical significance is uncertain. This variant has not been reported in the literature in individuals with PHOX2B-related conditions. This variant is not present in population databases (ExAC no frequency).